The following is an entry in ClinVar:

NM_002691.4(POLD1):c.2718-11T>C

Gene: POLD1 (DNA polymerase delta 1, catalytic subunit; plus strand). Cytogenetic location: 19q13.33.
Variant type: single nucleotide variant.
Coding change: c.2718-11T>C on transcript NM_002691.4 (MANE Select); 11 bases into the intron before coding-DNA position 2718, T replaced by C.
Molecular consequence: intron variant.
Genome position (GRCh38, 1-based): chr19:50,415,713, T>C. VCF-style: chr19-50415713-T-C. GRCh37 (hg19) VCF-style: chr19-50918970-T-C.
Other names: c.2718-11T>C (NM_001256849.1); c.2796-11T>C (NM_001308632.1).
Identifiers: ClinVar variation 3076178 (VCV003076178.1), dbSNP rs1165893954, ClinGen allele CA633897426.
Genomic context (GRCh38, chr19:50,415,713, plus strand): 5'-CTTCCTACACCCTCGCCCCCACCCCCGCCACCCACCTGCCCTCACCCACCCGCCACCCCA[T>C]CTCCACGCAGGATGAGGAAGCGGGACCCCGGGAGTGCGCCCAGCCTGGGCGACCGCGTCC-3'

ClinVar aggregate classification (germline): Uncertain significance (1 of 4 stars; one submission).

Conditions:
Hereditary cancer-predisposing syndrome. Also called: Neoplastic Syndromes, Hereditary; Tumor predisposition; Hereditary neoplastic syndrome; Hereditary Cancer Syndrome. Identifiers: Orphanet 140162, MedGen C0027672, MeSH D009386, MONDO:0015356.

Submission:

Ambry Genetics
Classification: Uncertain significance for Hereditary cancer-predisposing syndrome. Last evaluated: 2015-10-08. Review status: criteria provided, single submitter. Criteria: Ambry Variant Classification Scheme 2023. Collection method: clinical testing. Allele origin: germline.
Comment: The c.2718-11T>C intronic alteration consists of a T to C substitution 11 nucleotides before coding exon 21 in the POLD1 gene. Based on insufficient or conflicting evidence, the clinical significance of this alteration remains unclear.